The following is an entry in ClinVar:

ClinVar aggregate classification (germline): Uncertain significance (1 of 4 stars; one submission).

Conditions:
Glycogen storage disease due to muscle and heart glycogen synthase deficiency. Also called: MUSCLE GLYCOGEN SYNTHASE DEFICIENCY; GSD 0b. Identifiers: Orphanet 137625, MedGen C1969054, MONDO:0012693, OMIM 611556.

Submission:

Labcorp Genetics (formerly Invitae), Labcorp
Classification: Uncertain significance for Glycogen storage disease due to muscle and heart glycogen synthase deficiency. Last evaluated: 2021-12-17. Review status: criteria provided, single submitter. Criteria: Invitae Variant Classification Sherloc (09022015). Collection method: clinical testing. Allele origin: germline.
Comment: In summary, the available evidence is currently insufficient to determine the role of this variant in disease. Therefore, it has been classified as a Variant of Uncertain Significance. Algorithms developed to predict the effect of missense changes on protein structure and function are either unavailable or do not agree on the potential impact of this missense change (SIFT: "Tolerated"; PolyPhen-2: "Probably Damaging"; Align-GVGD: "Class C0"). This variant has not been reported in the literature in individuals affected with GYS1-related conditions. This variant is not present in population databases (gnomAD no frequency). This sequence change replaces alanine, which is neutral and non-polar, with serine, which is neutral and polar, at codon 616 of the GYS1 protein (p.Ala616Ser).

NM_002103.5(GYS1):c.1846G>T (p.Ala616Ser)

Gene: GYS1 (glycogen synthase 1; minus strand). Cytogenetic location: 19q13.33.
Variant type: single nucleotide variant.
Coding change: c.1846G>T on transcript NM_002103.5 (MANE Select); coding-DNA position 1846, G replaced by T.
Protein change: p.Ala616Ser; replaces alanine 616 with serine.
Molecular consequence: missense variant. On other transcripts: non-coding transcript variant (1).
Genome position (GRCh38, 1-based): chr19:48,969,819, C>A on the plus strand (G>T on the coding strand, the complement: GYS1 is on the minus strand). VCF-style: chr19-48969819-C-A. GRCh37 (hg19) VCF-style: chr19-49473076-C-A.
Other names: c.1654G>T, p.Ala552Ser (NM_001161587.2); short protein forms A616S, A552S.
Identifiers: ClinVar variation 2116765 (VCV002116765.4), dbSNP rs2513702765, ClinGen allele CA406759942.